The following is an entry in ClinVar:

NM_004655.4(AXIN2):c.1564C>T (p.His522Tyr)

Gene: AXIN2 (axin 2; minus strand). Cytogenetic location: 17q24.1.
Variant type: single nucleotide variant.
Coding change: c.1564C>T on transcript NM_004655.4 (MANE Select); coding-DNA position 1564, C replaced by T.
Protein change: p.His522Tyr; replaces histidine 522 with tyrosine.
Molecular consequence: missense variant.
Genome position (GRCh38, 1-based): chr17:65,537,472, G>A on the plus strand (C>T on the coding strand, the complement: AXIN2 is on the minus strand). VCF-style: chr17-65537472-G-A. GRCh37 (hg19) VCF-style: chr17-63533590-G-A.
Other names: c.1564C>T, p.His522Tyr (NM_001363813.1); short protein forms H522Y.
Identifiers: ClinVar variation 1775334 (VCV001775334.2), dbSNP rs1060502128, ClinGen allele CA400677252.

ClinVar aggregate classification (germline): Uncertain significance (1 of 4 stars; one submission).

Conditions:
Hereditary cancer-predisposing syndrome. Also called: Hereditary Cancer Syndrome; Hereditary neoplastic syndrome; Neoplastic Syndromes, Hereditary; Tumor predisposition. Identifiers: Orphanet 140162, MedGen C0027672, MeSH D009386, MONDO:0015356.

Submission:

Ambry Genetics
Classification: Uncertain significance for Hereditary cancer-predisposing syndrome. Last evaluated: 2022-04-19. Review status: criteria provided, single submitter. Criteria: Ambry Variant Classification Scheme 2023. Collection method: clinical testing. Allele origin: germline.
Comment: The p.H522Y variant (also known as c.1564C>T), located in coding exon 5 of the AXIN2 gene, results from a C to T substitution at nucleotide position 1564. The histidine at codon 522 is replaced by tyrosine, an amino acid with similar properties. This amino acid position is highly conserved in available vertebrate species. In addition, the in silico prediction for this alteration is inconclusive. Since supporting evidence is limited at this time, the clinical significance of this alteration remains unclear.